The following is an entry in ClinVar:

NM_152564.5(VPS13B):c.11325A>G (p.Lys3775=)

Gene: VPS13B (vacuolar protein sorting 13 homolog B; plus strand). Cytogenetic location: 8q22.2.
Variant type: single nucleotide variant.
Coding change: c.11325A>G on transcript NM_152564.5 (MANE Select); coding-DNA position 11325, A replaced by G.
Protein change: p.Lys3775=; no amino-acid change (lysine 3775 retained).
Molecular consequence: synonymous variant.
Genome position (GRCh38, 1-based): chr8:99,868,398, A>G. VCF-style: chr8-99868398-A-G. GRCh37 (hg19) VCF-style: chr8-100880626-A-G.
Other names: c.11400A>G, p.Lys3800= (NM_017890.5); c.11325A>G (NM_152564.4).
Identifiers: ClinVar variation 1589800 (VCV001589800.9), dbSNP rs1817211481, ClinGen allele CA462339334.
Genomic context (GRCh38, chr8:99,868,398, plus strand): 5'-ATCTGAGGCACAGGCTTCAGCAGGACACAAGGCCAAGGGTGTCATCTCGGGTGTGGGGAA[A>G]GGAATCATGGGGGTGTTCACAAAGCCCATCGGAGGAGCTGCTGAGCTGGTGTCACAGACT-3'
Protein context (NP_689777.3, residues 3765-3785): KAKGVISGVG[Lys3775=]GIMGVFTKPI

ClinVar aggregate classification (germline): Likely benign. Review status: criteria provided, multiple submitters, no conflicts (2 of 4 stars). 2 submissions from 2 submitters: Likely benign (2). Last evaluated 2025-10-29.

Conditions:
Cohen syndrome (COH1). Also called: Cutis verticis gyrata, retinitis pigmentosa, and sensorineural deafness; PEPPER SYNDROME. Identifiers: Orphanet 193, MedGen C0265223, MONDO:0008999, OMIM 216550.
VPS13B-related disorder. Also called: VPS13B-related condition.

Allele frequency attached by ClinVar (database versions not stated): TOPMed below 0.00001; gnomAD exomes 0.00001.
gnomAD v4.1: 20 of 1,614,160 alleles (0.0012%); highest among the groups gnomAD compares: Non-Finnish European, 0.0017%; no homozygotes.

Submissions (2):

PreventionGenetics, part of Exact Sciences
Classification: Likely benign for VPS13B-related condition. Last evaluated: 2025-10-29. Review status: criteria provided, single submitter. Criteria: ACMG Guidelines, 2015. Collection method: clinical testing. Allele origin: germline.
Comment: This variant is classified as likely benign based on ACMG/AMP sequence variant interpretation guidelines (Richards et al. 2015 PMID: 25741868, with internal and published modifications).

Labcorp Genetics (formerly Invitae), Labcorp
Classification: Likely benign for Cohen syndrome. Last evaluated: 2024-03-02. Review status: criteria provided, single submitter. Criteria: Invitae Variant Classification Sherloc (09022015). Collection method: clinical testing. Allele origin: germline.